The following is an entry in ClinVar:

ClinVar aggregate classification (germline): Uncertain significance (1 of 4 stars; one submission).

Submission:

Ambry Genetics
Classification: Uncertain significance. Last evaluated: 2025-09-17. Review status: criteria provided, single submitter. Criteria: Ambry Variant Classification Scheme 2023. Collection method: clinical testing. Allele origin: germline.
Comment: The p.E156D variant (also known as c.468G>C), located in coding exon 1 of the CDK12 gene, results from a G to C substitution at nucleotide position 468. The glutamic acid at codon 156 is replaced by aspartic acid, an amino acid with highly similar properties. This amino acid position is conserved. In addition, this alteration is predicted to be tolerated by in silico analysis. Based on the available evidence, the clinical significance of this variant remains unclear.

NM_016507.4(CDK12):c.468G>C (p.Glu156Asp)

Genes: CDK12 (cyclin dependent kinase 12; plus strand), LOC126862553 (CDK7 strongly-dependent group 2 enhancer GRCh37_chr17:37618166-37619365; plus strand). Cytogenetic location: 17q12.
Variant type: single nucleotide variant.
Coding change: c.468G>C on transcript NM_016507.4 (MANE Select); coding-DNA position 468, G replaced by C.
Protein change: p.Glu156Asp; replaces glutamic acid 156 with aspartic acid.
Molecular consequence: missense variant.
Genome position (GRCh38, 1-based): chr17:39,462,539, G>C. VCF-style: chr17-39462539-G-C. GRCh37 (hg19) VCF-style: chr17-37618792-G-C.
Other names: c.468G>C, p.Glu156Asp (NM_015083.4); short protein forms E156D.
Identifiers: ClinVar variation 4651313 (VCV004651313.1).